The following is an entry in ClinVar:

ClinVar aggregate classification (germline): Uncertain significance (1 of 4 stars; one submission).

Conditions:
Cardiovascular phenotype. Identifiers: MedGen CN230736.

Submission:

Ambry Genetics
Classification: Uncertain significance for Cardiovascular phenotype. Last evaluated: 2024-05-02. Review status: criteria provided, single submitter. Criteria: Ambry Variant Classification Scheme 2023. Collection method: clinical testing. Allele origin: germline.
Comment: The p.P27T variant (also known as c.79C>A), located in coding exon 1 of the FOXE3 gene, results from a C to A substitution at nucleotide position 79. The proline at codon 27 is replaced by threonine, an amino acid with highly similar properties. This amino acid position is conserved. In addition, this alteration is predicted to be tolerated by in silico analysis. Based on the available evidence, the clinical significance of this variant remains unclear.

NM_012186.3(FOXE3):c.79C>A (p.Pro27Thr)

Genes: FOXE3 (forkhead box E3; plus strand), LINC01389 (long intergenic non-protein coding RNA 1389; minus strand). Cytogenetic location: 1p33.
Variant type: single nucleotide variant.
Coding change: c.79C>A on transcript NM_012186.3 (MANE Select); coding-DNA position 79, C replaced by A.
Protein change: p.Pro27Thr; replaces proline 27 with threonine.
Molecular consequence: missense variant.
Genome position (GRCh38, 1-based): chr1:47,416,394, C>A. VCF-style: chr1-47416394-C-A. GRCh37 (hg19) VCF-style: chr1-47882066-C-A.
Other names: short protein forms P27T.
Identifiers: ClinVar variation 3279569 (VCV003279569.1).